The following is an entry in ClinVar:

NM_024408.4(NOTCH2):c.3226G>C (p.Gly1076Arg)

Gene: NOTCH2 (notch receptor 2; minus strand). Cytogenetic location: 1p12.
Variant type: single nucleotide variant.
Coding change: c.3226G>C on transcript NM_024408.4 (MANE Select); coding-DNA position 3226, G replaced by C.
Protein change: p.Gly1076Arg; replaces glycine 1076 with arginine.
Molecular consequence: missense variant.
Genome position (GRCh38, 1-based): chr1:119,937,968, C>G on the plus strand (G>C on the coding strand, the complement: NOTCH2 is on the minus strand). VCF-style: chr1-119937968-C-G. GRCh37 (hg19) VCF-style: chr1-120480591-C-G.
Other names: c.3226G>C, p.Gly1076Arg (NM_001200001.2); short protein forms G1076R.
Identifiers: ClinVar variation 3061344 (VCV003061344.2), dbSNP rs2526193153, ClinGen allele CA341852927.

ClinVar aggregate classification (germline): Uncertain significance (0 of 4 stars; one submission).

Conditions:
NOTCH2-related disorder. Also called: NOTCH2-related condition.

Submission:

PreventionGenetics, part of Exact Sciences
Classification: Uncertain significance for NOTCH2-related condition. Last evaluated: 2024-02-07. Review status: no assertion criteria provided. Collection method: clinical testing. Allele origin: germline.
Comment: The NOTCH2 c.3226G>C variant is predicted to result in the amino acid substitution p.Gly1076Arg. To our knowledge, this variant has not been reported in the literature or in a large population database, indicating this variant is rare. At this time, the clinical significance of this variant is uncertain due to the absence of conclusive functional and genetic evidence.